The following is an entry in ClinVar:

ClinVar aggregate classification (germline): Uncertain significance. Review status: criteria provided, multiple submitters, no conflicts (2 of 4 stars). 3 submissions from 3 submitters: Uncertain significance (3). Last evaluated 2025-12-16.

Conditions:
Developmental and epileptic encephalopathy, 1 (DEE1). Also called: X-linked infantile spasms; West's syndrome; Tonic spasms with clustering, arrest of psychomotor development and hypsarrhythmia on EEG; X-Linked Infantile Spasm Syndrome; OHTAHARA SYNDROME, X-LINKED; Epileptic encephalopathy, early infantile, 1. Identifiers: MedGen C3463992, MONDO:0010632, OMIM 308350. Disease mechanism: loss of function.
Autosomal dominant nonsyndromic hearing loss 65. Also called: Deafness, autosomal dominant 65; TBC1D24-Related Autosomal Dominant Nonsyndromic Hearing Loss (DFNA). Identifiers: Orphanet 90635, MedGen C3892048, MONDO:0014470, OMIM 616044.
Inborn genetic diseases. Identifiers: MedGen C0950123, MeSH D030342.

Allele frequency attached by ClinVar (database versions not stated): gnomAD 0.00002 and 0.00001; gnomAD exomes 0.00001; TOPMed 0.00006; ExAC 0.00002.
gnomAD v4.1: 14 of 1,613,998 alleles (0.00087%); highest among the groups gnomAD compares: East Asian, 0.0045%; no homozygotes.

Submissions (3):

Ambry Genetics
Classification: Uncertain significance for Inborn genetic diseases. Last evaluated: 2025-12-16. Review status: criteria provided, single submitter. Criteria: Ambry Variant Classification Scheme 2023. Collection method: clinical testing. Allele origin: germline.

GeneDx
Classification: Uncertain significance. Last evaluated: 2025-08-26. Review status: criteria provided, single submitter. Criteria: GeneDx Variant Classification Process June 2021. Collection method: clinical testing. Allele origin: germline. Affected: yes.
Comment: Not observed at significant frequency in large population cohorts (gnomAD); In silico analysis suggests that this missense variant does not alter protein structure/function; Has not been previously published as pathogenic or benign to our knowledge

Labcorp Genetics (formerly Invitae), Labcorp
Classification: Uncertain significance for Developmental and epileptic encephalopathy, 1; Autosomal dominant nonsyndromic hearing loss 65. Last evaluated: 2024-03-11. Review status: criteria provided, single submitter. Criteria: Invitae Variant Classification Sherloc (09022015). Collection method: clinical testing. Allele origin: germline.
Comment: This sequence change replaces valine, which is neutral and non-polar, with methionine, which is neutral and non-polar, at codon 243 of the TBC1D24 protein (p.Val243Met). This variant is present in population databases (rs762660491, gnomAD 0.003%). This variant has not been reported in the literature in individuals affected with TBC1D24-related conditions. ClinVar contains an entry for this variant (Variation ID: 474311). Advanced modeling of protein sequence and biophysical properties (such as structural, functional, and spatial information, amino acid conservation, physicochemical variation, residue mobility, and thermodynamic stability) performed at Invitae indicates that this missense variant is not expected to disrupt TBC1D24 protein function with a negative predictive value of 80%. In summary, the available evidence is currently insufficient to determine the role of this variant in disease. Therefore, it has been classified as a Variant of Uncertain Significance.

NM_001199107.2(TBC1D24):c.727G>A (p.Val243Met)

Gene: TBC1D24 (TBC1 domain family member 24; plus strand). Cytogenetic location: 16p13.3.
Variant type: single nucleotide variant.
Coding change: c.727G>A on transcript NM_001199107.2 (MANE Select); coding-DNA position 727, G replaced by A.
Protein change: p.Val243Met; replaces valine 243 with methionine.
Molecular consequence: missense variant.
Genome position (GRCh38, 1-based): chr16:2,496,875, G>A. VCF-style: chr16-2496875-G-A. GRCh37 (hg19) VCF-style: chr16-2546876-G-A.
Other names: c.727G>A, p.Val243Met (NM_020705.3); short protein forms V243M.
Identifiers: ClinVar variation 474311 (VCV000474311.18), dbSNP rs762660491, ClinGen allele CA7844054.